The following is an entry in ClinVar:

ClinVar aggregate classification (germline): Uncertain significance (1 of 4 stars; one submission).

Submission:

Dasa
Classification: Uncertain significance. Last evaluated: 2025-03-05. Review status: criteria provided, single submitter. Criteria: DASA Assertion Criteria. Collection method: clinical testing. Allele origin: germline.
Comment: NM_000435.3(NOTCH3):c.2371G>T (p.Gly791Cys) is a missense variant that results in the substitution of glycine with cysteine. This variant is rare in population databases. The currently available literature and clinical evidence are not sufficient to establish a definitive association between this variant and the reported condition. Therefore, this variant is classified as a variant of uncertain significance.

NM_000435.3(NOTCH3):c.2371G>T (p.Gly791Cys)

Gene: NOTCH3 (notch receptor 3; minus strand). Cytogenetic location: 19p13.12.
Variant type: single nucleotide variant.
Coding change: c.2371G>T on transcript NM_000435.3 (MANE Select); coding-DNA position 2371, G replaced by T.
Protein change: p.Gly791Cys; replaces glycine 791 with cysteine.
Molecular consequence: missense variant.
Genome position (GRCh38, 1-based): chr19:15,184,945, C>A on the plus strand (G>T on the coding strand, the complement: NOTCH3 is on the minus strand). VCF-style: chr19-15184945-C-A. GRCh37 (hg19) VCF-style: chr19-15295756-C-A.
Other names: short protein forms G791C.
Identifiers: ClinVar variation 5020984 (VCV005020984.1).
Genomic context (GRCh38, chr19:15,184,945, plus strand): 5'-GAAGAGAAGCAGGTGGCATACCTTGCCAGCCCTGGGGGCAGGAGCAGACAGGCAGCTGGC[C>A]AGGGGCAGACTCGCAGCGGCCCCCATGCTCACAGGGGTTCGGGGTGCAGGGGGAGAGGAG-3'
Protein context (NP_000426.2, residues 781-801): EHGGRCESAP[Gly791Cys]QLPVCSCPQG